The following is an entry in ClinVar:

ClinVar aggregate classification (germline): Uncertain significance (1 of 4 stars; one submission).

Conditions:
Duchenne muscular dystrophy (DMD). Also called: MUSCULAR DYSTROPHY, PSEUDOHYPERTROPHIC PROGRESSIVE, DUCHENNE TYPE; Duchenne Muscular Dystrophy (DMD). Identifiers: Orphanet 98896, MedGen C0013264, MONDO:0010679, OMIM 310200.

Submission:

Labcorp Genetics (formerly Invitae), Labcorp
Classification: Uncertain significance for Duchenne muscular dystrophy. Last evaluated: 2025-04-06. Review status: criteria provided, single submitter. Criteria: Invitae Variant Classification Sherloc (09022015). Collection method: clinical testing. Allele origin: germline.
Comment: This sequence change replaces proline, which is neutral and non-polar, with serine, which is neutral and polar, at codon 2346 of the DMD protein (p.Pro2346Ser). Information on the frequency of this variant in the gnomAD database is not available, as this variant may be reported differently in the database. This variant has not been reported in the literature in individuals affected with DMD-related conditions. Experimental studies and prediction algorithms are not available or were not evaluated, and the functional significance of this variant is currently unknown. In summary, the available evidence is currently insufficient to determine the role of this variant in disease. Therefore, it has been classified as a Variant of Uncertain Significance.

NM_004006.3(DMD):c.7035_7036delinsCT (p.Pro2346Ser)

Gene: DMD (dystrophin; minus strand). Cytogenetic location: Xp21.1.
Variant type: Indel.
Coding change: c.7035_7036delinsCT on transcript NM_004006.3 (MANE Select); coding-DNA positions 7035 to 7036, TC replaced by CT.
Protein change: p.Pro2346Ser; replaces proline 2346 with serine.
Molecular consequence: missense variant. On other transcripts: 5 prime UTR variant (5).
Genome position (GRCh38, 1-based): chrX:31,875,250-31,875,251, GA replaced by AG on the plus strand (TC replaced by CT on the coding strand, the reverse complement: DMD is on the minus strand). VCF-style: chrX-31875250-GA-AG. GRCh37 (hg19) VCF-style: chrX-31893367-GA-AG.
Other names: c.7011_7012delinsCT, p.Pro2338Ser (NM_000109.4); c.7023_7024delinsCT, p.Pro2342Ser (NM_004009.3); c.6666_6667delinsCT, p.Pro2223Ser (NM_004010.3); c.3012_3013delinsCT, p.Pro1005Ser (NM_004011.4); c.3003_3004delinsCT, p.Pro1002Ser (NM_004012.4); c.-346_-345delinsCT (NM_004013.3, NM_004020.4, NM_004021.3 and 2 more transcripts); short protein forms P2338S, P2342S, P1002S, P2346S, P1005S, P2223S.
Identifiers: ClinVar variation 4699995 (VCV004699995.1).
Genomic context (GRCh38, chrX:31,875,250, plus strand): 5'-TAACGTCAAATGGTCCTTCTTGGTTTGGTTGGTTATAAATTTCCAACTGATTCCTAATAG[GA>AG]GATAACCACAGCAGCAGATGATTTAACTGCTCTTCAAGGTCTTCAAGCTTTTTTTCAAGC-3'
Protein context (NP_003997.2, residues 2336-2356): QLNHLLLWLS[Pro2346Ser]IRNQLEIYNQ